The following is an entry in ClinVar:

ClinVar aggregate classification (germline): Uncertain significance (1 of 4 stars; one submission).

Conditions:
Dilated cardiomyopathy 1G (CMD1G). Identifiers: Orphanet 154, MedGen C1858763, MONDO:0011400, OMIM 604145.
Autosomal recessive limb-girdle muscular dystrophy type 2J (LGMDR10). Also called: Limb-girdle muscular dystrophy, type 2J; MUSCULAR DYSTROPHY, LIMB-GIRDLE, AUTOSOMAL RECESSIVE 10. Identifiers: Orphanet 140922, MedGen C1837342, MONDO:0012127, OMIM 608807.

Submission:

Labcorp Genetics (formerly Invitae), Labcorp
Classification: Uncertain significance for Dilated cardiomyopathy 1G; Autosomal recessive limb-girdle muscular dystrophy type 2J. Last evaluated: 2022-06-02. Review status: criteria provided, single submitter. Criteria: Invitae Variant Classification Sherloc (09022015). Collection method: clinical testing. Allele origin: germline.
Comment: This sequence change replaces lysine, which is basic and polar, with glutamic acid, which is acidic and polar, at codon 34475 of the TTN protein (p.Lys34475Glu). This variant is not present in population databases (gnomAD no frequency). This variant has not been reported in the literature in individuals affected with TTN-related conditions. Experimental studies and prediction algorithms are not available or were not evaluated, and the functional significance of this variant is currently unknown. This variant is located in the M band of TTN (PMID: 25589632). Variants in this region may be relevant for neuromuscular disorders, but have not been definitively shown to cause cardiomyopathy (PMID: 23975875). In summary, the available evidence is currently insufficient to determine the role of this variant in disease. Therefore, it has been classified as a Variant of Uncertain Significance.

Literature cited by the submitters: PubMed 25589632; PubMed 23975875.

NM_001267550.2(TTN):c.103423A>G (p.Lys34475Glu)

Genes: TTN (titin; minus strand), TTN-AS1 (TTN antisense RNA 1; plus strand). Cytogenetic location: 2q31.2.
Variant type: single nucleotide variant.
Coding change: c.103423A>G on transcript NM_001267550.2 (MANE Select); coding-DNA position 103423, A replaced by G.
Protein change: p.Lys34475Glu; replaces lysine 34475 with glutamic acid.
Molecular consequence: missense variant.
Genome position (GRCh38, 1-based): chr2:178,533,192, T>C on the plus strand (A>G on the coding strand, the complement: TTN is on the minus strand). VCF-style: chr2-178533192-T-C. GRCh37 (hg19) VCF-style: chr2-179397919-T-C.
Other names: c.98500A>G, p.Lys32834Glu (NM_001256850.1); c.76228A>G, p.Lys25410Glu (NM_003319.4); c.95719A>G, p.Lys31907Glu (NM_133378.4); c.76603A>G, p.Lys25535Glu (NM_133432.3); c.76804A>G, p.Lys25602Glu (NM_133437.4); short protein forms K25535E, K25602E, K32834E, K34475E, K31907E, K25410E.
Identifiers: ClinVar variation 2202679 (VCV002202679.4), dbSNP rs2468483031, ClinGen allele CA349414306.